The following is an entry in ClinVar:

ClinVar aggregate classification (germline): Benign/Likely benign. Review status: criteria provided, multiple submitters, no conflicts (2 of 4 stars). 4 submissions from 4 submitters: Benign (3); Likely benign (1). Last evaluated 2026-02-03.

Conditions:
MHC class II deficiency. Also called: Bare lymphocyte syndrome 2; BLS, TYPE II. Identifiers: Orphanet 572, MedGen C5447452, MONDO:0008855.

Allele frequency attached by ClinVar (database versions not stated): 1000 Genomes Project 30x 0.00703; gnomAD 0.01128 and 0.01125; 1000 Genomes Project 0.00779; gnomAD exomes 0.01379; ESP Exome Variant Server 0.01223; TOPMed 0.01167; ExAC 0.02813.

Submissions (4):

Labcorp Genetics (formerly Invitae), Labcorp
Classification: Benign for MHC class II deficiency. Last evaluated: 2026-02-03. Review status: criteria provided, single submitter. Criteria: Invitae Variant Classification Sherloc (09022015). Collection method: clinical testing. Allele origin: germline.

Women's Health and Genetics/Laboratory Corporation of America, LabCorp
Classification: Likely benign. Last evaluated: 2026-01-21. Review status: criteria provided, single submitter. Criteria: LabCorp Variant Classification Summary - May 2015. Collection method: clinical testing. Allele origin: germline.

Illumina Laboratory Services, Illumina
Classification: Benign for MHC class II deficiency 1. Last evaluated: 2018-01-13. Review status: criteria provided, single submitter. Criteria: ICSL Variant Classification Criteria 13 December 2019. Collection method: clinical testing. Allele origin: germline.
Comment: This variant was observed in the ICSL laboratory as part of a predisposition screen in an ostensibly healthy population. It had not been previously curated by ICSL or reported in the Human Gene Mutation Database (HGMD: prior to June 1st, 2018), and was therefore a candidate for classification through an automated scoring system. Utilizing variant allele frequency, disease prevalence and penetrance estimates, and inheritance mode, an automated score was calculated to assess if this variant is too frequent to cause the disease. Based on the score and internal cut-off values, a variant classified as benign is not then subjected to further curation. The score for this variant resulted in a classification of benign for this disease.

Breakthrough Genomics
Classification: Benign. Review status: criteria provided, single submitter. Criteria: ACMG Guidelines, 2015. Collection method: not provided. Allele origin: germline. Inheritance: Autosomal recessive inheritance. Affected: yes.

NM_000538.4(RFXAP):c.410T>C (p.Met137Thr)

Genes: RFXAP (regulatory factor X associated protein; plus strand), LOC130009574 (ATAC-STARR-seq lymphoblastoid active region 7589; plus strand). Cytogenetic location: 13q13.3.
Variant type: single nucleotide variant.
Coding change: c.410T>C on transcript NM_000538.4 (MANE Select); coding-DNA position 410, T replaced by C.
Protein change: p.Met137Thr; replaces methionine 137 with threonine.
Molecular consequence: missense variant.
Genome position (GRCh38, 1-based): chr13:36,819,767, T>C. VCF-style: chr13-36819767-T-C. GRCh37 (hg19) VCF-style: chr13-37393904-T-C.
Other names: short protein forms M137T.
Identifiers: ClinVar variation 311787 (VCV000311787.16), dbSNP rs193240312, ClinGen allele CA6950208.
Genomic context (GRCh38, chr13:36,819,767, plus strand): 5'-ACTCGGGGGGCGAGGGCAGCAGCGGGGGCGCCCGGAGGCGGGGCAGCGGTGGGGGCAGCA[T>C]GAGCAAGACCTGCACCTACGAAGGCTGCAGCGAGACCACGAGCCAGGTGGCCAAGCAGCG-3'
Protein context (NP_000529.1, residues 127-147): ARRRGSGGGS[Met137Thr]SKTCTYEGCS